The following is an entry in ClinVar:

NM_006030.4(CACNA2D2):c.1890A>G (p.Ile630Met)

Gene: CACNA2D2 (calcium voltage-gated channel auxiliary subunit alpha2delta 2; minus strand). Cytogenetic location: 3p21.31.
Variant type: single nucleotide variant.
Coding change: c.1890A>G on transcript NM_006030.4 (MANE Select); coding-DNA position 1890, A replaced by G.
Protein change: p.Ile630Met; replaces isoleucine 630 with methionine.
Molecular consequence: missense variant.
Genome position (GRCh38, 1-based): chr3:50,375,661, T>C on the plus strand (A>G on the coding strand, the complement: CACNA2D2 is on the minus strand). VCF-style: chr3-50375661-T-C. GRCh37 (hg19) VCF-style: chr3-50413092-T-C.
Other names: c.1890A>G, p.Ile630Met (NM_001005505.3, NM_001174051.3); c.1683A>G, p.Ile561Met (NM_001291101.1); short protein forms I561M, I630M.
Identifiers: ClinVar variation 1060613 (VCV001060613.4), dbSNP rs1022878150, ClinGen allele CA74613007.
Genomic context (GRCh38, chr3:50,375,661, plus strand): 5'-GCCACCCCACCCTCTCTGCCCGCCCAGCCCTGGCCTCACTTACCTGTAGTTAGTGCTCCT[T>C]ATAGGCACCCAGGTGTAGTTCCGTGTCACCTCATCTATGTACCTCTGGGAGAGGAGGCTG-3'
Protein context (NP_006021.2, residues 620-640): EVTRNYTWVP[Ile630Met]RSTNYSLGLV

ClinVar aggregate classification (germline): Uncertain significance (1 of 4 stars; one submission).

Conditions:
Developmental and epileptic encephalopathy. Identifiers: MedGen C5779964, MONDO:0100620.

Allele frequency attached by ClinVar (database versions not stated): gnomAD 0.00001; gnomAD exomes 0.00001 and 0.00002; TOPMed 0.00003.
gnomAD v4.1: 9 of 1,613,108 alleles (0.00056%); highest among the groups gnomAD compares: Admixed American, 0.013%; no homozygotes.

Submission:

Labcorp Genetics (formerly Invitae), Labcorp
Classification: Uncertain significance for Early-infantile DEE. Last evaluated: 2023-07-17. Review status: criteria provided, single submitter. Criteria: Invitae Variant Classification Sherloc (09022015). Collection method: clinical testing. Allele origin: germline.
Comment: This sequence change replaces isoleucine, which is neutral and non-polar, with methionine, which is neutral and non-polar, at codon 630 of the CACNA2D2 protein (p.Ile630Met). This variant is present in population databases (no rsID available, gnomAD 0.02%). This variant has not been reported in the literature in individuals affected with CACNA2D2-related conditions. ClinVar contains an entry for this variant (Variation ID: 1060613). An algorithm developed to predict the effect of missense changes on protein structure and function (PolyPhen-2) suggests that this variant is likely to be disruptive. In summary, the available evidence is currently insufficient to determine the role of this variant in disease. Therefore, it has been classified as a Variant of Uncertain Significance.